The following is an entry in ClinVar:

ClinVar aggregate classification (germline): Uncertain significance (1 of 4 stars; one submission).

Conditions:
TTC8-related disorder. Also called: TTC8-related condition.

Submission:

PreventionGenetics, part of Exact Sciences
Classification: Uncertain significance for TTC8-related condition. Last evaluated: 2026-07-07. Review status: criteria provided, single submitter. Criteria: ACMG Guidelines, 2015. Collection method: clinical testing. Allele origin: germline.
Comment: The TTC8 c.895G>A variant is predicted to result in the amino acid substitution p.Ala299Thr. To our knowledge, this variant has not been reported in the literature or in a large population database (gnomAD), indicating this variant is rare. At this time, the clinical significance of this variant is uncertain due to the absence of conclusive functional and genetic evidence.

NM_144596.4(TTC8):c.895G>A (p.Ala299Thr)

Gene: TTC8 (tetratricopeptide repeat domain 8; plus strand). Cytogenetic location: 14q31.3.
Variant type: single nucleotide variant.
Coding change: c.895G>A on transcript NM_144596.4 (MANE Select); coding-DNA position 895, G replaced by A.
Protein change: p.Ala299Thr; replaces alanine 299 with threonine.
Molecular consequence: missense variant. On other transcripts: non-coding transcript variant (1).
Genome position (GRCh38, 1-based): chr14:88,861,318, G>A. VCF-style: chr14-88861318-G-A. GRCh37 (hg19) VCF-style: chr14-89327662-G-A.
Other names: c.943G>A, p.Ala315Thr (NM_001288781.1); c.301G>A, p.Ala101Thr (NM_001288782.1); c.178G>A, p.Ala60Thr (NM_001288783.1); c.865G>A, p.Ala289Thr (NM_001366535.2, NM_198309.3); c.775G>A, p.Ala259Thr (NM_001366536.2, NM_198310.3); short protein forms A101T, A315T, A60T, A259T, A289T, A299T.
Identifiers: ClinVar variation 4978885 (VCV004978885.1).
Genomic context (GRCh38, chr14:88,861,318, plus strand): 5'-AATCTTTTCAAACAAGGCTTAGATAAGTTTCCAGGAGAAGTAACCCTGCTCTGTGGAATT[G>A]CAAGAATCTATGAGGTAATTCATGTTATTATTATTATTATTTATTGATACACAATAGTTT-3'
Protein context (NP_653197.2, residues 289-309): PGEVTLLCGI[Ala299Thr]RIYEEMNNMS